The following is an entry in ClinVar:

ClinVar aggregate classification (germline): Uncertain significance (1 of 4 stars; one submission).

gnomAD v4.1: 1 of 1,613,944 alleles (0.000062%); highest among the groups gnomAD compares: African/African-American, 0.0013%; no homozygotes.

Submission:

Labcorp Genetics (formerly Invitae), Labcorp
Classification: Uncertain significance. Last evaluated: 2025-12-11. Review status: criteria provided, single submitter. Criteria: Invitae Variant Classification Sherloc (09022015). Collection method: clinical testing. Allele origin: germline.
Comment: This sequence change replaces cysteine, which is neutral and slightly polar, with tryptophan, which is neutral and slightly polar, at codon 298 of the GPR45 protein (p.Cys298Trp). This variant is not present in population databases (gnomAD no frequency). This variant has not been reported in the literature in individuals affected with GPR45-related conditions. An algorithm developed to predict the effect of missense changes on protein structure and function (PolyPhen-2) suggests that this variant is likely to be tolerated. In summary, the available evidence is currently insufficient to determine the role of this variant in disease. Therefore, it has been classified as a Variant of Uncertain Significance.

NM_007227.3(GPR45):c.894C>G (p.Cys298Trp)

Gene: GPR45 (G protein-coupled receptor 45; plus strand). Cytogenetic location: 2q12.1.
Variant type: single nucleotide variant.
Coding change: c.894C>G on transcript NM_007227.3 (MANE Select); coding-DNA position 894, C replaced by G.
Protein change: p.Cys298Trp; replaces cysteine 298 with tryptophan.
Molecular consequence: missense variant.
Genome position (GRCh38, 1-based): chr2:105,242,752, C>G. VCF-style: chr2-105242752-C-G. GRCh37 (hg19) VCF-style: chr2-105859209-C-G.
Other names: short protein forms C298W.
Identifiers: ClinVar variation 4772628 (VCV004772628.1).